The following is an entry in ClinVar:

NM_000642.3(AGL):c.3588_3588+14del

Gene: AGL (amylo-alpha-1,6-glucosidase and 4-alpha-glucanotransferase; plus strand). Cytogenetic location: 1p21.2.
Variant type: Deletion.
Coding change: c.3588_3588+14del on transcript NM_000642.3 (MANE Select); coding-DNA position 3588 through 14 bases into the intron after coding-DNA position 3588, 15 bases deleted (GGTAAAGATATTTCT).
Molecular consequence: splice donor variant.
Genome position (GRCh38, 1-based): chr1:99,900,861-99,900,875, GGTAAAGATATTTCT deleted; deleting any 15 consecutive bases within chr1:99,900,859-99,900,875 gives the same sequence; the c. name uses the placement nearest the transcript's 3' end. VCF-style (leftmost placement, unchanged base first): chr1-99900858-ACTGGTAAAGATATTT-A. GRCh37 (hg19) VCF-style: chr1-100366414-ACTGGTAAAGATATTT-A.
Other names: c.3588_3588+14del (NM_000643.3, NM_000644.3, NM_001425325.1 and 1 more transcripts); c.3540_3540+14del (NM_000646.3); c.3567_3567+14del (NM_001425326.1); c.3387_3387+14del (NM_001425327.1); c.3384_3384+14del (NM_001425328.1); c.3249_3249+14del (NM_001425329.1); c.3210_3210+14del (NM_001425332.1); c.3588_3588+14delGGTAAAGATATTTCT (NM_000642.2); and 1 more.
Identifiers: ClinVar variation 1954683 (VCV001954683.9), dbSNP rs2523717340, ClinGen allele CA2580063594.

ClinVar aggregate classification (germline): Pathogenic/Likely pathogenic. Review status: criteria provided, multiple submitters, no conflicts (2 of 4 stars). 5 submissions from 5 submitters: Pathogenic (1); Likely pathogenic (4). Last evaluated 2026-06-29.

Conditions:
Glycogen storage disease type III (GSD3). Also called: FORBES DISEASE; Cori disease. Identifiers: Orphanet 366, MedGen C0017922, MONDO:0009291, OMIM 232400.

Submissions (5):

Women's Health and Genetics/Laboratory Corporation of America, LabCorp
Classification: Likely pathogenic for Glycogen storage disease type III. Last evaluated: 2026-06-29. Review status: criteria provided, single submitter. Criteria: LabCorp Variant Classification Summary - May 2015. Collection method: clinical testing. Allele origin: germline.
Comment: Variant summary: AGL c.3588_3588+14del15 is located in a canonical splice-site and is predicted to affect mRNA splicing resulting in a significantly altered protein due to either exon skipping, shortening, or inclusion of intronic material. Variants that disrupt the consensus splice site are a relatively common cause of aberrant splicing and loss of AGL function. Several computational tools predict a significant impact on normal splicing: Four predict the variant abolishes a 5' splicing donor site. However, these predictions have yet to be confirmed by functional studies. The variant was absent in 251402 control chromosomes. To our knowledge, no occurrence of c.3588_3588+14del15 in individuals affected with AGL-related conditions and no experimental evidence demonstrating its impact on protein function have been reported. ClinVar contains an entry for this variant (Variation ID: 1954683). Based on the evidence outlined above, the variant was classified as likely pathogenic.

3billion
Classification: Pathogenic for Glycogen storage disease type III. Last evaluated: 2025-12-01. Review status: criteria provided, single submitter. Criteria: ACMG Guidelines, 2015. Collection method: clinical testing. Allele origin: germline. Affected: yes.
Comment: The variant is not observed in the gnomAD v4.1.0 dataset. Predicted Consequence/Location: Canonical splice site: predicted to alter splicing and result in a loss or disruption of normal protein function. Multiple pathogenic loss-of-function variants are reported downstream of the variant. In silico tools predict the variant to alter splicing and produce an abnormal transcript [SpliceAI: 0.94 (spliceogenicity >=0.2, non-spliceogenicity <0.1)]. The variant has been reported at least twice as pathogenic with clinical assertions and evidence for the classification (ClinVar ID: VCV001954683). Therefore, this variant is classified as Pathogenic according to the recommendation of ACMG/AMP guideline.

Labcorp Genetics (formerly Invitae), Labcorp
Classification: Likely pathogenic for Glycogen storage disease type III. Last evaluated: 2025-08-08. Review status: criteria provided, single submitter. Criteria: Invitae Variant Classification Sherloc (09022015). Collection method: clinical testing. Allele origin: germline.
Comment: This variant results in the deletion of part of exon 26 (c.3588_3588+14del) of the AGL gene. It is expected to disrupt RNA splicing. Variants that disrupt the donor or acceptor splice site typically lead to a loss of protein function (PMID: 16199547), and loss-of-function variants in AGL are known to be pathogenic (PMID: 19299494). This variant is not present in population databases (gnomAD no frequency). This variant has not been reported in the literature in individuals affected with AGL-related conditions. ClinVar contains an entry for this variant (Variation ID: 1954683). In summary, the currently available evidence indicates that the variant is pathogenic, but additional data are needed to prove that conclusively. Therefore, this variant has been classified as Likely Pathogenic.

Natera, Inc.
Classification: Likely pathogenic for Glycogen storage disease type III. Last evaluated: 2025-06-18. Review status: criteria provided, single submitter. Criteria: Natera Variant Classification Schema (03/2026). Collection method: clinical testing. Allele origin: germline.
Comment: The c.3588_3588+14delGGTAAAGATATTTCT variant in AGL is a deletion affecting the canonical donor splice site. This variant is expected to result in nonsense mediated decay, truncation, or a dysfunctional protein product. This variant is rare in the general population with a frequency below the threshold expected for the associated phenotype(s). Given the available evidence, this variant is classified as Likely Pathogenic.

Baylor Genetics
Classification: Likely pathogenic for Glycogen storage disease type III. Last evaluated: 2023-08-29. Review status: criteria provided, single submitter. Criteria: ACMG Guidelines, 2015. Collection method: clinical testing. Allele origin: unknown.

Literature cited by the submitters: PubMed 16199547 (cited by Labcorp Genetics (formerly Invitae), Labcorp); PubMed 19299494 (cited by Labcorp Genetics (formerly Invitae), Labcorp).